The following is an entry in ClinVar:

ClinVar aggregate classification (germline): Likely pathogenic. Review status: criteria provided, multiple submitters, no conflicts (2 of 4 stars). 2 submissions from 2 submitters: Likely pathogenic (2). Last evaluated 2025-02-27.

Conditions:
Primary dilated cardiomyopathy (DCM). Also called: Dilated Cardiomyopathy. Identifiers: Orphanet 217604, MedGen C0007193, MeSH D002311, MONDO:0005021, HP:0001644. Inheritance: Various modes of inheritance.
Dilated cardiomyopathy 1G (CMD1G). Identifiers: Orphanet 154, MedGen C1858763, MONDO:0011400, OMIM 604145.
Autosomal recessive limb-girdle muscular dystrophy type 2J (LGMDR10). Also called: Limb-girdle muscular dystrophy, type 2J; MUSCULAR DYSTROPHY, LIMB-GIRDLE, AUTOSOMAL RECESSIVE 10. Identifiers: Orphanet 140922, MedGen C1837342, MONDO:0012127, OMIM 608807.

Submissions (2):

Labcorp Genetics (formerly Invitae), Labcorp
Classification: Likely pathogenic for Dilated cardiomyopathy 1G; Autosomal recessive limb-girdle muscular dystrophy type 2J. Last evaluated: 2025-02-27. Review status: criteria provided, single submitter. Criteria: Invitae Variant Classification Sherloc (09022015). Collection method: clinical testing. Allele origin: germline.
Comment: This sequence change affects a donor splice site in intron 279 of the TTN gene. It is expected to disrupt RNA splicing and likely results in a truncated or disrupted TTN protein. This variant is not present in population databases (gnomAD no frequency). Disruption of this splice site has been observed in individual(s) with dilated cardiomyopathy (PMID: 25589632). ClinVar contains an entry for this variant (Variation ID: 223282). Algorithms developed to predict the effect of sequence changes on RNA splicing suggest that this variant may disrupt the consensus splice site. This variant is located in the A band of TTN (PMID: 25589632). Truncating variants in this region are significantly overrepresented in patients affected with dilated cardiomyopathy (PMID: 25589632). Truncating variants in this region have also been reported in individuals affected with autosomal recessive centronuclear myopathy (PMID: 23975875). In summary, the currently available evidence indicates that the variant is pathogenic, but additional data are needed to prove that conclusively. Therefore, this variant has been classified as Likely Pathogenic.

Cardiovascular Biomedical Research Unit, Royal Brompton & Harefield NHS Foundation Trust
Classification: Likely pathogenic for Primary dilated cardiomyopathy. Last evaluated: 2014-10-08. Review status: criteria provided, single submitter. Criteria: Roberts et al. 2015. Collection method: research. Allele origin: germline. Inheritance: Autosomal dominant inheritance. Affected: yes. Observed: 1 variant allele. Study: Unselected DCM.
Comment: In the seven cohorts assessed, TTNtv were found in 14% of ambulant DCM, 22% end-stage or familial DCM, and 2% controls. Heterozygous nonsense, frameshift and canonical splice-disrupting variants found in constitutive and other highly utilised exons are highly likely to be pathogenic when identified in individuals with phenotypically confirmed DCM. TTNtv found incidentally in healthy individuals (excluding familial assessment of DCM relatives) are thought to have low penetrance, particularly when identified in exons that are not constitutively expressed in the heart.

Literature cited by the submitters: PubMed 25589632 (cited by Labcorp Genetics (formerly Invitae), Labcorp); PubMed 23975875 (cited by Labcorp Genetics (formerly Invitae), Labcorp).

NM_001267550.2(TTN):c.53881+1G>T

Genes: TTN-AS1 (TTN antisense RNA 1; plus strand), TTN (titin; minus strand). Cytogenetic location: 2q31.2.
Variant type: single nucleotide variant.
Coding change: c.53881+1G>T on transcript NM_001267550.2 (MANE Select); the canonical splice donor site of the intron after coding-DNA position 53881, G replaced by T.
Molecular consequence: splice donor variant.
Genome position (GRCh38, 1-based): chr2:178,605,413, C>A on the plus strand (G>T on the coding strand, the complement: TTN is on the minus strand). VCF-style: chr2-178605413-C-A. GRCh37 (hg19) VCF-style: chr2-179470140-C-A.
Other names: c.53881+1G>T (LRG_391t1); c.26686+1G>T (NM_003319.4); c.27262+1G>T (NM_133437.4); c.27061+1G>T (NM_133432.3); c.46177+1G>T (NM_133378.4); c.48958+1G>T (NM_001256850.1).
Identifiers: ClinVar variation 223282 (VCV000223282.2), dbSNP rs869312051, ClinGen allele CA353145.
Genomic context (GRCh38, chr2:178,605,413, plus strand): 5'-TTATGGGATAAAGGCACACTGTAAAATGCATTAAAATTATTATTATATTCAGATTCCGCA[C>A]CTTCATCATCTTGTATGACTACATTAAGAGGTAGGGATGGTTCACTTTCACCAATTTCAT-3'